The following is an entry in ClinVar:

ClinVar aggregate classification (germline): Uncertain significance (1 of 4 stars; one submission).

Allele frequency attached by ClinVar (database versions not stated): gnomAD exomes below 0.00001; gnomAD 0.00001.
gnomAD v4.1: 4 of 1,594,420 alleles (0.00025%); highest among the groups gnomAD compares: Admixed American, 0.0067%; no homozygotes.

Submission:

Labcorp Genetics (formerly Invitae), Labcorp
Classification: Uncertain significance. Last evaluated: 2023-08-10. Review status: criteria provided, single submitter. Criteria: Invitae Variant Classification Sherloc (09022015). Collection method: clinical testing. Allele origin: germline.
Comment: In summary, the available evidence is currently insufficient to determine the role of this variant in disease. Therefore, it has been classified as a Variant of Uncertain Significance. Variants that disrupt the consensus splice site are a relatively common cause of aberrant splicing (PMID: 17576681, 9536098). An algorithm developed to predict the effect of missense changes on protein structure and function (PolyPhen-2) suggests that this variant is likely to be tolerated. ClinVar contains an entry for this variant (Variation ID: 1506042). This variant has not been reported in the literature in individuals affected with MPDZ-related conditions. This variant is not present in population databases (gnomAD no frequency). This sequence change replaces arginine, which is basic and polar, with lysine, which is basic and polar, at codon 1120 of the MPDZ protein (p.Arg1120Lys). This variant also falls at the last nucleotide of exon 23, which is part of the consensus splice site for this exon.

Literature cited by the submitters: PubMed 17576681; PubMed 9536098.

NM_001378778.1(MPDZ):c.3359G>A (p.Arg1120Lys)

Gene: MPDZ (multiple PDZ domain crumbs cell polarity complex component; minus strand). Cytogenetic location: 9p23.
Variant type: single nucleotide variant.
Coding change: c.3359G>A on transcript NM_001378778.1 (MANE Select); coding-DNA position 3359, G replaced by A.
Protein change: p.Arg1120Lys; replaces arginine 1120 with lysine.
Molecular consequence: missense variant. On other transcripts: intron variant (1).
Genome position (GRCh38, 1-based): chr9:13,162,691, C>T on the plus strand (G>A on the coding strand, the complement: MPDZ is on the minus strand). VCF-style: chr9-13162691-C-T. GRCh37 (hg19) VCF-style: chr9-13162690-C-T.
Other names: c.3359G>A, p.Arg1120Lys (NM_001261406.2, NM_001261407.2, NM_001330637.2 and 13 more transcripts); c.3254+5675G>A (NM_001375427.1); short protein forms R1120K.
Identifiers: ClinVar variation 1506042 (VCV001506042.6), dbSNP rs1950617507, ClinGen allele CA372952055.